The following is an entry in ClinVar:

ClinVar aggregate classification (germline): Uncertain significance (1 of 4 stars; one submission).

gnomAD v4.1: 11 of 1,583,028 alleles (0.00069%); highest among the groups gnomAD compares: African/African-American, 0.004%; no homozygotes.

Submission:

CeGaT Center for Human Genetics Tuebingen
Classification: Uncertain significance. Last evaluated: 2026-08-01. Review status: criteria provided, single submitter. Criteria: CeGaT Center For Human Genetics Tuebingen Variant Classification Criteria Version 2. Collection method: clinical testing. Allele origin: germline. Affected: yes. Observed: 1 variant allele.
Comment: ROBO1: PM2

NM_002941.4(ROBO1):c.530C>T (p.Ser177Leu)

Gene: ROBO1 (roundabout guidance receptor 1; minus strand). Cytogenetic location: 3p12.3.
Variant type: single nucleotide variant.
Coding change: c.530C>T on transcript NM_002941.4 (MANE Select); coding-DNA position 530, C replaced by T.
Protein change: p.Ser177Leu; replaces serine 177 with leucine.
Molecular consequence: missense variant.
Genome position (GRCh38, 1-based): chr3:78,746,870, G>A on the plus strand (C>T on the coding strand, the complement: ROBO1 is on the minus strand). VCF-style: chr3-78746870-G-A. GRCh37 (hg19) VCF-style: chr3-78796020-G-A.
Other names: c.413C>T, p.Ser138Leu (NM_001145845.2, NM_133631.4); short protein forms S138L, S177L.
Identifiers: ClinVar variation 5039127 (VCV005039127.1).